The following is an entry in ClinVar:

ClinVar aggregate classification (germline): Uncertain significance (1 of 4 stars; one submission).

Submission:

Labcorp Genetics (formerly Invitae), Labcorp
Classification: Uncertain significance. Last evaluated: 2024-08-15. Review status: criteria provided, single submitter. Criteria: Invitae Variant Classification Sherloc (09022015). Collection method: clinical testing. Allele origin: germline.
Comment: This sequence change replaces methionine, which is neutral and non-polar, with leucine, which is neutral and non-polar, at codon 141 of the RHAG protein (p.Met141Leu). This variant is not present in population databases (gnomAD no frequency). This variant has not been reported in the literature in individuals affected with RHAG-related conditions. Invitae Evidence Modeling of protein sequence and biophysical properties (such as structural, functional, and spatial information, amino acid conservation, physicochemical variation, residue mobility, and thermodynamic stability) indicates that this missense variant is not expected to disrupt RHAG protein function with a negative predictive value of 80%. In summary, the available evidence is currently insufficient to determine the role of this variant in disease. Therefore, it has been classified as a Variant of Uncertain Significance.

NM_000324.3(RHAG):c.421A>T (p.Met141Leu)

Gene: RHAG (Rh associated glycoprotein; minus strand). Cytogenetic location: 6p12.3.
Variant type: single nucleotide variant.
Coding change: c.421A>T on transcript NM_000324.3 (MANE Select); coding-DNA position 421, A replaced by T.
Protein change: p.Met141Leu; replaces methionine 141 with leucine.
Molecular consequence: missense variant.
Genome position (GRCh38, 1-based): chr6:49,618,139, T>A on the plus strand (A>T on the coding strand, the complement: RHAG is on the minus strand). VCF-style: chr6-49618139-T-A. GRCh37 (hg19) VCF-style: chr6-49585852-T-A.
Other names: short protein forms M141L.
Identifiers: ClinVar variation 3687185 (VCV003687185.2).